The following is an entry in ClinVar:

NM_014908.4(DOLK):c.1262T>C (p.Leu421Pro)

Gene: DOLK (dolichol kinase; minus strand). Cytogenetic location: 9q34.11.
Variant type: single nucleotide variant.
Coding change: c.1262T>C on transcript NM_014908.4 (MANE Select); coding-DNA position 1262, T replaced by C.
Protein change: p.Leu421Pro; replaces leucine 421 with proline.
Molecular consequence: missense variant.
Genome position (GRCh38, 1-based): chr9:128,946,042, A>G on the plus strand (T>C on the coding strand, the complement: DOLK is on the minus strand). VCF-style: chr9-128946042-A-G. GRCh37 (hg19) VCF-style: chr9-131708321-A-G.
Other names: p.Leu421Pro; short protein forms L421P.
Identifiers: ClinVar variation 644343 (VCV000644343.13), dbSNP rs145125254, ClinGen allele CA5271597.
Genomic context (GRCh38, chr9:128,946,042, plus strand): 5'-TAGGGGACGAGGGCCCTGGCTCCTCCCAGGCTACCCTTCTGTGTGCAGGGTCTGGGGATC[A>G]GCCAGATGGGAAGAGACATGCCCAGGAGCAGGTAGATGTGTGTCAGAATGAGTGGTCCAC-3'
Protein context (NP_055723.1, residues 411-431): LLLGMSLPIW[Leu421Pro]IPRPCTQKGS

ClinVar aggregate classification (germline): Uncertain significance. Review status: criteria provided, multiple submitters, no conflicts (2 of 4 stars). 6 submissions from 6 submitters: Uncertain significance (6). Last evaluated 2025-10-28.

Conditions:
DK1-congenital disorder of glycosylation. Also called: DK1-CDG; DOLK-congenital disorder of glycosylation; Carbohydrate deficient glycoprotein syndrome type 1m; CONGENITAL DISORDER OF GLYCOSYLATION, TYPE Im; CDG Im; DK1 DEFICIENCY. Identifiers: Orphanet 91131, MedGen C1835849, MONDO:0012556, OMIM 610768.
Cardiovascular phenotype. Identifiers: MedGen CN230736.

Allele frequency attached by ClinVar (database versions not stated): ExAC 0.00003; gnomAD 0.00003; gnomAD exomes 0.00004 and 0.00010; TOPMed 0.00008; ESP Exome Variant Server 0.00015.
gnomAD v4.1: 151 of 1,614,048 alleles (0.0094%); highest among the groups gnomAD compares: Non-Finnish European, 0.013%; no homozygotes.

Submissions (6):

Ambry Genetics
Classification: Uncertain significance for Cardiovascular phenotype. Last evaluated: 2025-10-28. Review status: criteria provided, single submitter. Criteria: Ambry Variant Classification Scheme 2023. Collection method: clinical testing. Allele origin: germline.

Mayo Clinic Laboratories, Mayo Clinic
Classification: Uncertain significance. Last evaluated: 2025-01-11. Review status: criteria provided, single submitter. Criteria: ACMG Guidelines, 2015. Collection method: clinical testing. Allele origin: germline. Observed: 1 variant allele.
Comment: PP3, PM3_supporting

Women's Health and Genetics/Laboratory Corporation of America, LabCorp
Classification: Uncertain significance. Last evaluated: 2024-11-22. Review status: criteria provided, single submitter. Criteria: LabCorp Variant Classification Summary - May 2015. Collection method: clinical testing. Allele origin: germline.
Comment: Variant summary: DOLK c.1262T>C (p.Leu421Pro) results in a non-conservative amino acid change in the encoded protein sequence. Five of five in-silico tools predict a damaging effect of the variant on protein function. The variant allele was found at a frequency of 4e-05 in 251278 control chromosomes (gnomAD). This frequency is not significantly higher than estimated for a pathogenic variant in DOLK causing DK1-congenital disorder of glycosylation (4e-05 vs 0.0011), allowing no conclusion about variant significance. c.1262T>C has been reported in the literature in at least an individual affected with clinical features of dolichol kinase deficiency (example: Hall_AJMGA_2020). These data do not allow any conclusion about variant significance. To our knowledge, no experimental evidence demonstrating an impact on protein function has been reported. The following publication has been ascertained in the context of this evaluation (PMID: 32250540). ClinVar contains an entry for this variant (Variation ID: 644343). Based on the evidence outlined above, the variant was classified as uncertain significance.

GeneDx
Classification: Uncertain significance. Last evaluated: 2024-07-05. Review status: criteria provided, single submitter. Criteria: GeneDx Variant Classification Process June 2021. Collection method: clinical testing. Allele origin: germline. Affected: yes.
Comment: Identified with a second DOLK variant in trans in a family with four infants who died of fatal hyperkeratosis syndrome with heart block and cardiorespiratory arrest (PMID: 32250540); Not observed at significant frequency in large population cohorts (gnomAD); In silico analysis supports that this missense variant has a deleterious effect on protein structure/function; This variant is associated with the following publications: (PMID: 34956305, 32250540)

Labcorp Genetics (formerly Invitae), Labcorp
Classification: Uncertain significance for DK1-congenital disorder of glycosylation. Last evaluated: 2022-08-16. Review status: criteria provided, single submitter. Criteria: Invitae Variant Classification Sherloc (09022015). Collection method: clinical testing. Allele origin: germline.
Comment: This sequence change replaces leucine, which is neutral and non-polar, with proline, which is neutral and non-polar, at codon 421 of the DOLK protein (p.Leu421Pro). This variant is present in population databases (rs145125254, gnomAD 0.008%). This missense change has been observed in individual(s) with clinical features of DOLK-related conditions (PMID: 32250540). ClinVar contains an entry for this variant (Variation ID: 644343). Algorithms developed to predict the effect of missense changes on protein structure and function are either unavailable or do not agree on the potential impact of this missense change (SIFT: "Deleterious"; PolyPhen-2: "Probably Damaging"; Align-GVGD: "Class C0"). In summary, the available evidence is currently insufficient to determine the role of this variant in disease. Therefore, it has been classified as a Variant of Uncertain Significance.

Fulgent Genetics
Classification: Uncertain significance for DK1-congenital disorder of glycosylation. Last evaluated: 2021-10-08. Review status: criteria provided, single submitter. Criteria: ACMG Guidelines, 2015. Collection method: clinical testing. Allele origin: unknown.

Literature cited by the submitters: PubMed 32250540 (cited by 3 submitters).